The following is an entry in ClinVar:

ClinVar aggregate classification (germline): Pathogenic (1 of 4 stars; one submission).

Conditions:
Cardiovascular phenotype. Identifiers: MedGen CN230736.
Hereditary cancer-predisposing syndrome. Also called: Hereditary Cancer Syndrome; Neoplastic Syndromes, Hereditary; Tumor predisposition; Hereditary neoplastic syndrome. Identifiers: Orphanet 140162, MedGen C0027672, MeSH D009386, MONDO:0015356.

Submission:

Ambry Genetics
Classification: Pathogenic for Cardiovascular phenotype; Hereditary cancer-predisposing syndrome. Last evaluated: 2021-11-05. Review status: criteria provided, single submitter. Criteria: Ambry Variant Classification Scheme 2023. Collection method: clinical testing. Allele origin: germline.
Comment: The c.4983delT pathogenic mutation, located in coding exon 36 of the NF1 gene, results from a deletion of one nucleotide at nucleotide position 4983, causing a translational frameshift with a predicted alternate stop codon (p.C1661*). This variant is considered to be rare based on population cohorts in the Genome Aggregation Database (gnomAD). This alteration is expected to result in loss of function by premature protein truncation or nonsense-mediated mRNA decay. As such, this alteration is interpreted as a disease-causing mutation.

NM_001042492.3(NF1):c.5046del (p.Asn1681_Cys1682insTer)

Gene: NF1 (neurofibromin 1; plus strand). Cytogenetic location: 17q11.2.
Variant type: Deletion.
Coding change: c.5046del on transcript NM_001042492.3 (MANE Select); coding-DNA position 5046, one base deleted (T; older notation c.5046delT).
Protein change: p.Asn1681_Cys1682insTer.
Molecular consequence: nonsense. On other transcripts: frameshift variant (1).
Genome position (GRCh38, 1-based): chr17:31,326,030, T deleted. VCF-style (leftmost placement, unchanged base first): chr17-31326029-GT-G. GRCh37 (hg19) VCF-style: chr17-29653047-GT-G.
Other names: c.4983delT (NM_000267.3); c.4983delT, p.Cys1661Terfs (NM_000267.4).
Identifiers: ClinVar variation 1744542 (VCV001744542.2), dbSNP rs2508696473, ClinGen allele CA2580093006.